The following is an entry in ClinVar:

NM_000256.3(MYBPC3):c.2640C>T (p.Asp880=)

Gene: MYBPC3 (myosin binding protein C3; minus strand). Cytogenetic location: 11p11.2.
Variant type: single nucleotide variant.
Coding change: c.2640C>T on transcript NM_000256.3 (MANE Select); coding-DNA position 2640, C replaced by T.
Protein change: p.Asp880=; no amino-acid change (aspartic acid 880 retained).
Molecular consequence: synonymous variant.
Genome position (GRCh38, 1-based): chr11:47,335,974, G>A on the plus strand (C>T on the coding strand, the complement: MYBPC3 is on the minus strand). VCF-style: chr11-47335974-G-A. GRCh37 (hg19) VCF-style: chr11-47357525-G-A.
Identifiers: ClinVar variation 42648 (VCV000042648.24), dbSNP rs397515980, ClinGen allele CA012791.
Genomic context (GRCh38, chr11:47,335,974, plus strand): 5'-GCCTCCTGCTCCCACGCGCTCTGGGGGCCGCCACTTGAGGGAGACCGTGGTGTCAGAGAC[G>A]TCCTCTACTGCCAGGTGGGTGGGTTCGCTGGGGGGACCTGGGCAGAGGAGAGGTCAGAGA-3'
Protein context (NP_000247.2, residues 870-890): PSEPTHLAVE[Asp880=]VSDTTVSLKW

ClinVar aggregate classification (germline): Benign/Likely benign. Review status: criteria provided, multiple submitters, no conflicts (2 of 4 stars). 8 submissions from 8 submitters: Benign (1); Likely benign (6). 1 of the submissions does not count toward it. Last evaluated 2026-01-12.

Conditions:
MYBPC3-related disorder. Also called: MYBPC3-related condition; MYBPC3-related disease; MYBPC3-related disorders.
Hypertrophic cardiomyopathy 4. Also called: Familial hypertrophic cardiomyopathy 4. Identifiers: MedGen C1861862, MONDO:0007268, OMIM 115197.
Left ventricular noncompaction 10 (LVNC10). Identifiers: Orphanet 154, Orphanet 54260, MedGen C3715165, MONDO:0014163, OMIM 615396.
Cardiomyopathy (CMYO). Also called: Cardiomyopathies. Identifiers: Orphanet 167848, MedGen C0878544, MONDO:0004994, HP:0001638. Inheritance: Various modes of inheritance.
Hypertrophic cardiomyopathy. Also called: HYPERTROPHIC MYOCARDIOPATHY. Identifiers: Orphanet 217569, MedGen C0007194, MeSH D002312, MONDO:0005045, HP:0001639.
Cardiovascular phenotype. Identifiers: MedGen CN230736.

Allele frequency attached by ClinVar (database versions not stated): gnomAD 0.00005 and 0.00004; TOPMed 0.00005; 1000 Genomes Project 30x 0.00016; gnomAD exomes 0.00002; ExAC 0.00004; 1000 Genomes Project 0.00020.
gnomAD v4.1: 29 of 1,551,862 alleles (0.0019%); highest among the groups gnomAD compares: African/African-American, 0.014%; no homozygotes.

Submissions (8):

Labcorp Genetics (formerly Invitae), Labcorp
Classification: Likely benign for Hypertrophic cardiomyopathy. Last evaluated: 2026-01-12. Review status: criteria provided, single submitter. Criteria: Invitae Variant Classification Sherloc (09022015). Collection method: clinical testing. Allele origin: germline.

All of Us Research Program, National Institutes of Health
Classification: Likely benign for Hypertrophic cardiomyopathy. Last evaluated: 2023-12-13. Review status: criteria provided, single submitter. Criteria: ACMG Guidelines, 2015. Collection method: clinical testing. Allele origin: germline. Inheritance: Autosomal dominant inheritance. Observed: 6 variant alleles, 6 heterozygotes.
Comment: This study involves interpretation of variants in research participants for the purpose of population health screening. Participant phenotype was not available at the time of variant classification. Additional details can be found in publication PMID: 35346344, PMCID: PMC8962531

Fulgent Genetics
Classification: Likely benign for Hypertrophic cardiomyopathy 4; Left ventricular noncompaction 10. Last evaluated: 2021-08-18. Review status: criteria provided, single submitter. Criteria: ACMG Guidelines, 2015. Collection method: clinical testing. Allele origin: unknown.

Ambry Genetics
Classification: Likely benign for Cardiovascular phenotype. Last evaluated: 2020-04-07. Review status: criteria provided, single submitter. Criteria: Ambry Variant Classification Scheme 2023. Collection method: clinical testing. Allele origin: germline.

Color Diagnostics, LLC DBA Color Health
Classification: Likely benign for Cardiomyopathy. Last evaluated: 2018-11-22. Review status: criteria provided, single submitter. Criteria: ACMG Guidelines, 2015. Collection method: clinical testing. Allele origin: germline.

GeneDx
Classification: Benign. Last evaluated: 2017-04-11. Review status: criteria provided, single submitter. Criteria: GeneDx Variant Classification (06012015). Collection method: clinical testing. Allele origin: germline. Affected: yes.
Comment: This variant is considered likely benign or benign based on one or more of the following criteria: it is a conservative change, it occurs at a poorly conserved position in the protein, it is predicted to be benign by multiple in silico algorithms, and/or has population frequency not consistent with disease.

Laboratory for Molecular Medicine, Mass General Brigham Personalized Medicine
Classification: Likely benign. Last evaluated: 2011-05-13. Review status: criteria provided, single submitter. Criteria: LMM Criteria. Collection method: clinical testing. Allele origin: germline. Observed: 1 variant allele.
Comment: This variant is not expected to have clinical significance because it does not a lter an amino acid residue and is not located near a splice junction.

PreventionGenetics, part of Exact Sciences
Classification: Likely benign for MYBPC3-related condition. Last evaluated: 2022-09-01. Review status: no assertion criteria provided. Collection method: clinical testing. Allele origin: germline. Not counted in ClinVar's aggregate classification.
Comment: This variant is classified as likely benign based on ACMG/AMP sequence variant interpretation guidelines (Richards et al. 2015 PMID: 25741868, with internal and published modifications).